The following is an entry in ClinVar:

NM_170606.3(KMT2C):c.50C>A (p.Pro17Gln)

Gene: KMT2C (lysine methyltransferase 2C; minus strand). Cytogenetic location: 7q36.1.
Variant type: single nucleotide variant.
Coding change: c.50C>A on transcript NM_170606.3 (MANE Select); coding-DNA position 50, C replaced by A.
Protein change: p.Pro17Gln; replaces proline 17 with glutamine.
Molecular consequence: missense variant.
Genome position (GRCh38, 1-based): chr7:152,435,737, G>T on the plus strand (C>A on the coding strand, the complement: KMT2C is on the minus strand). VCF-style: chr7-152435737-G-T. GRCh37 (hg19) VCF-style: chr7-152132822-G-T.
Other names: short protein forms P17Q.
Identifiers: ClinVar variation 3660195 (VCV003660195.2).

ClinVar aggregate classification (germline): Uncertain significance (1 of 4 stars; one submission).

Submission:

Labcorp Genetics (formerly Invitae), Labcorp
Classification: Uncertain significance. Last evaluated: 2024-07-22. Review status: criteria provided, single submitter. Criteria: Invitae Variant Classification Sherloc (09022015). Collection method: clinical testing. Allele origin: germline.
Comment: This sequence change replaces proline, which is neutral and non-polar, with glutamine, which is neutral and polar, at codon 17 of the KMT2C protein (p.Pro17Gln). This variant is not present in population databases (gnomAD no frequency). This variant has not been reported in the literature in individuals affected with KMT2C-related conditions. An algorithm developed to predict the effect of missense changes on protein structure and function (PolyPhen-2) suggests that this variant is likely to be tolerated. In summary, the available evidence is currently insufficient to determine the role of this variant in disease. Therefore, it has been classified as a Variant of Uncertain Significance.